The following is an entry in ClinVar:

ClinVar aggregate classification (germline): Uncertain significance (1 of 4 stars; one submission).

Conditions:
RASopathy. Also called: Noonan spectrum disorder; rasopathies. Identifiers: Orphanet 536391, MedGen C5555857, MONDO:0021060.

Submission:

Labcorp Genetics (formerly Invitae), Labcorp
Classification: Uncertain significance for RASopathy. Last evaluated: 2022-01-11. Review status: criteria provided, single submitter. Criteria: Invitae Variant Classification Sherloc (09022015). Collection method: clinical testing. Allele origin: germline.
Comment: In summary, the available evidence is currently insufficient to determine the role of this variant in disease. Therefore, it has been classified as a Variant of Uncertain Significance. Experimental studies and prediction algorithms are not available or were not evaluated, and the functional significance of this variant is currently unknown. This variant has not been reported in the literature in individuals affected with BRAF-related conditions. This variant is a gross deletion of the genomic region encompassing exon(s) 3 of the BRAF gene. This variant would be expected to be in-frame, preserving the integrity of the reading frame.

NC_000007.13:g.(?_140534389)_(140534692_?)del

Gene: BRAF (B-Raf proto-oncogene, serine/threonine kinase; minus strand). Cytogenetic location: 7q34.
Variant type: Deletion.
Identifiers: ClinVar variation 2425071 (VCV002425071.4).